The following is an entry in ClinVar:

ClinVar aggregate classification (germline): not provided (0 of 4 stars; one submission).

Allele frequency attached by ClinVar (database versions not stated): gnomAD 0.00001; TOPMed 0.00001.
gnomAD v4.1: 1 of 152,348 alleles (0.00066%); highest among the groups gnomAD compares: Non-Finnish European, 0.0015%; no homozygotes.

Submission:

Human Evolutionary Genetics, Institut Pasteur
No classification provided. Review status: no classification provided. Collection method: not provided. Allele origin: germline.
ClinVar note: Converted during submission from untested to not provided.

NM_000246.4(CIITA):c.3149+224C>G

Gene: CIITA (class II major histocompatibility complex transactivator; plus strand). Cytogenetic location: 16p13.13.
Variant type: single nucleotide variant.
Coding change: c.3149+224C>G on transcript NM_000246.4 (MANE Select); 224 bases into the intron after coding-DNA position 3149, C replaced by G.
Molecular consequence: intron variant.
Genome position (GRCh38, 1-based): chr16:10,918,750, C>G. VCF-style: chr16-10918750-C-G. GRCh37 (hg19) VCF-style: chr16-11012607-C-G.
Other names: c.3152+224C>G (NM_001286402.1, NM_001379332.1); c.3005+224C>G (NM_001379330.1); c.3149+224C>G (NM_001379333.1); c.3002+224C>G (NM_001379331.1); c.1397+224C>G (NM_001286403.2); c.3080+224C>G (NM_001379334.1).
Identifiers: ClinVar variation 103004 (VCV000103004.2), dbSNP rs199476079, ClinGen allele CA229982.